The following is an entry in ClinVar:

ClinVar aggregate classification (germline): Conflicting classifications of pathogenicity. Review status: criteria provided, conflicting classifications (1 of 4 stars). 2 submissions from 2 submitters: Uncertain significance (1); Likely benign (1). Last evaluated 2025-08-20.

Conditions:
Inborn genetic diseases. Identifiers: MedGen C0950123, MeSH D030342.
Congenital myasthenic syndrome 8. Also called: Myasthenic syndrome, congenital, 8, with pre- and postsynaptic defects; MYASTHENIC SYNDROME, CONGENITAL, DUE TO AGRIN DEFICIENCY. Identifiers: Orphanet 590, MedGen C3808739, MONDO:0014052, OMIM 615120.

Allele frequency attached by ClinVar (database versions not stated): gnomAD 0.00003 and 0.00004; gnomAD exomes 0.00003 and 0.00001; ESP Exome Variant Server 0.00008; ExAC 0.00002; TOPMed 0.00002.
gnomAD v4.1: 53 of 1,613,930 alleles (0.0033%); highest among the groups gnomAD compares: Non-Finnish European, 0.0042%; no homozygotes.

Submissions (2):

Ambry Genetics
Classification: Likely benign for Inborn genetic diseases. Last evaluated: 2025-08-20. Review status: criteria provided, single submitter. Criteria: Ambry Variant Classification Scheme 2023. Collection method: clinical testing. Allele origin: germline.

Labcorp Genetics (formerly Invitae), Labcorp
Classification: Uncertain significance for Congenital myasthenic syndrome 8. Last evaluated: 2022-03-18. Review status: criteria provided, single submitter. Criteria: Invitae Variant Classification Sherloc (09022015). Collection method: clinical testing. Allele origin: germline.
Comment: In summary, the available evidence is currently insufficient to determine the role of this variant in disease. Therefore, it has been classified as a Variant of Uncertain Significance. Algorithms developed to predict the effect of missense changes on protein structure and function output the following: SIFT: "Tolerated"; PolyPhen-2: "Possibly Damaging"; Align-GVGD: "Class C0". The valine amino acid residue is found in multiple mammalian species, which suggests that this missense change does not adversely affect protein function. ClinVar contains an entry for this variant (Variation ID: 654059). This variant has not been reported in the literature in individuals affected with AGRN-related conditions. This variant is present in population databases (rs375711798, gnomAD 0.003%). This sequence change replaces alanine, which is neutral and non-polar, with valine, which is neutral and non-polar, at codon 933 of the AGRN protein (p.Ala933Val).

NM_198576.4(AGRN):c.2798C>T (p.Ala933Val)

Gene: AGRN (agrin; plus strand). Cytogenetic location: 1p36.33.
Variant type: single nucleotide variant.
Coding change: c.2798C>T on transcript NM_198576.4 (MANE Select); coding-DNA position 2798, C replaced by T.
Protein change: p.Ala933Val; replaces alanine 933 with valine.
Molecular consequence: missense variant.
Genome position (GRCh38, 1-based): chr1:1,046,081, C>T. VCF-style: chr1-1046081-C-T. GRCh37 (hg19) VCF-style: chr1-981461-C-T.
Other names: c.2798C>T, p.Ala933Val (NM_001305275.2); c.2483C>T, p.Ala828Val (NM_001364727.2); short protein forms A828V, A933V.
Identifiers: ClinVar variation 654059 (VCV000654059.8), dbSNP rs375711798, ClinGen allele CA508807.